The following is an entry in ClinVar:

NM_001130009.3(GEN1):c.2560G>C (p.Val854Leu)

Gene: GEN1 (GEN1 structure-specific endonuclease; plus strand). Cytogenetic location: 2p24.2.
Variant type: single nucleotide variant.
Coding change: c.2560G>C on transcript NM_001130009.3 (MANE Select); coding-DNA position 2560, G replaced by C.
Protein change: p.Val854Leu; replaces valine 854 with leucine.
Molecular consequence: missense variant.
Genome position (GRCh38, 1-based): chr2:17,781,772, G>C. VCF-style: chr2-17781772-G-C. GRCh37 (hg19) VCF-style: chr2-17963039-G-C.
Other names: c.2560G>C, p.Val854Leu (NM_182625.5); short protein forms V854L.
Identifiers: ClinVar variation 4857993 (VCV004857993.1).
Genomic context (GRCh38, chr2:17,781,772, plus strand): 5'-GAAAGTGGCCATAACAAGTTGAGTAGCCCTAAGATACATATTAAAGAAACTGAACAGTGT[G>C]TCAGATCTTATGAAACAGCTGAAAATGAAGAAAGCTGTTTCCCAGATTCAACAAAAAGTT-3'
Protein context (NP_001123481.3, residues 844-864): KIHIKETEQC[Val854Leu]RSYETAENEE

ClinVar aggregate classification (germline): Uncertain significance (1 of 4 stars; one submission).

Submission:

Ambry Genetics
Classification: Uncertain significance. Last evaluated: 2026-05-22. Review status: criteria provided, single submitter. Criteria: Ambry Variant Classification Scheme 2023. Collection method: clinical testing. Allele origin: germline.
Comment: The p.V854L variant (also known as c.2560G>C), located in coding exon 13 of the GEN1 gene, results from a G to C substitution at nucleotide position 2560. The valine at codon 854 is replaced by leucine, an amino acid with highly similar properties. This amino acid position is conserved. In addition, this alteration is predicted to be tolerated by in silico analysis. Based on the available evidence, the clinical significance of this variant remains unclear.